The following is an entry in ClinVar:

ClinVar aggregate classification (germline): Benign/Likely benign. Review status: criteria provided, multiple submitters, no conflicts (2 of 4 stars). 6 submissions from 6 submitters: Benign (1); Likely benign (5). Last evaluated 2026-03-27.

Conditions:
Cardiovascular phenotype. Identifiers: MedGen CN230736.
Cardiac arrhythmia. Also called: Cardiac rhythm disease; Arrhythmia. Identifiers: MedGen C0003811, MONDO:0007263, HP:0011675.
Long QT syndrome (LQTS). Identifiers: MedGen C0023976, MeSH D008133, MONDO:0002442. Disease mechanism: loss of function. Inheritance: Various modes of inheritance.

Allele frequency attached by ClinVar (database versions not stated): gnomAD 0.00009 and 0.00008; 1000 Genomes Project 0.00020; ExAC 0.00002; TOPMed 0.00006; ESP Exome Variant Server 0.00008; 1000 Genomes Project 30x 0.00031.
gnomAD v4.1: 25 of 1,614,070 alleles (0.0015%); highest among the groups gnomAD compares: African/African-American, 0.027%; no homozygotes.

Submissions (6):

Molecular Diagnostic Laboratory for Inherited Cardiovascular Disease, Montreal Heart Institute
Classification: Likely benign. Last evaluated: 2026-03-27. Review status: criteria provided, single submitter. Criteria: ACMG Guidelines, 2015. Collection method: clinical testing. Allele origin: germline. Affected: no.

Labcorp Genetics (formerly Invitae), Labcorp
Classification: Likely benign for Long QT syndrome. Last evaluated: 2025-11-18. Review status: criteria provided, single submitter. Criteria: Invitae Variant Classification Sherloc (09022015). Collection method: clinical testing. Allele origin: germline.

All of Us Research Program, National Institutes of Health
Classification: Likely benign for Long QT syndrome. Last evaluated: 2024-02-05. Review status: criteria provided, single submitter. Criteria: ACMG Guidelines, 2015. Collection method: clinical testing. Allele origin: germline. Inheritance: Autosomal dominant inheritance. Observed: 7 variant alleles, 7 heterozygotes.
Comment: This study involves interpretation of variants in research participants for the purpose of population health screening. Participant phenotype was not available at the time of variant classification. Additional details can be found in publication PMID: 35346344, PMCID: PMC8962531

Ambry Genetics
Classification: Likely benign for Cardiovascular phenotype. Last evaluated: 2019-10-30. Review status: criteria provided, single submitter. Criteria: Ambry Variant Classification Scheme 2023. Collection method: clinical testing. Allele origin: germline.

Color Diagnostics, LLC DBA Color Health
Classification: Likely benign for Arrhythmia. Last evaluated: 2019-01-30. Review status: criteria provided, single submitter. Criteria: ACMG Guidelines, 2015. Collection method: clinical testing. Allele origin: germline.

GeneDx
Classification: Benign. Last evaluated: 2015-03-03. Review status: criteria provided, single submitter. Criteria: GeneDx Variant Classification Process June 2021. Collection method: clinical testing. Allele origin: germline. Affected: yes.

NM_000238.4(KCNH2):c.1284G>A (p.Ser428=)

Gene: KCNH2 (potassium voltage-gated channel subfamily H member 2; minus strand). Cytogenetic location: 7q36.1.
Variant type: single nucleotide variant.
Coding change: c.1284G>A on transcript NM_000238.4 (MANE Select); coding-DNA position 1284, G replaced by A.
Protein change: p.Ser428=; no amino-acid change (serine 428 retained).
Molecular consequence: synonymous variant. On other transcripts: non-coding transcript variant (2).
Genome position (GRCh38, 1-based): chr7:150,952,698, C>T on the plus strand (G>A on the coding strand, the complement: KCNH2 is on the minus strand). VCF-style: chr7-150952698-C-T. GRCh37 (hg19) VCF-style: chr7-150649786-C-T.
Other names: c.264G>A, p.Ser88= (NM_001204798.2, NM_172057.3); c.996G>A, p.Ser332= (NM_001406753.1, NM_001406756.1); c.1107G>A, p.Ser369= (NM_001406755.1); c.984G>A, p.Ser328= (NM_001406757.1); c.1284G>A, p.Ser428= (NM_172056.3).
Identifiers: ClinVar variation 923066 (VCV000923066.19), dbSNP rs371864051, ClinGen allele CA027531.